The following is an entry in ClinVar:

ClinVar aggregate classification (germline): Uncertain significance. Review status: criteria provided, multiple submitters, no conflicts (2 of 4 stars). 3 submissions from 3 submitters: Uncertain significance (3). Last evaluated 2024-04-26.

Conditions:
Fanconi anemia complementation group P. Also called: SLX4-Related Fanconi Anemia. Identifiers: Orphanet 84, MedGen C3469542, MONDO:0013499, OMIM 613951.
Fanconi anemia (FA). Also called: Fanconi's anemia. Identifiers: Orphanet 84, MedGen C0015625, MeSH D005199, MONDO:0019391.

Allele frequency attached by ClinVar (database versions not stated): gnomAD exomes 0.00001; ExAC 0.00003; gnomAD 0.00001.
gnomAD v4.1: 52 of 1,613,470 alleles (0.0032%); highest among the groups gnomAD compares: Non-Finnish European, 0.0043%; no homozygotes.

Submissions (3):

Fulgent Genetics
Classification: Uncertain significance for Fanconi anemia complementation group P. Last evaluated: 2024-04-26. Review status: criteria provided, single submitter. Criteria: ACMG Guidelines, 2015. Collection method: clinical testing. Allele origin: germline.

Labcorp Genetics (formerly Invitae), Labcorp
Classification: Uncertain significance for Fanconi anemia. Last evaluated: 2023-12-02. Review status: criteria provided, single submitter. Criteria: Invitae Variant Classification Sherloc (09022015). Collection method: clinical testing. Allele origin: germline.
Comment: This sequence change replaces serine, which is neutral and polar, with cysteine, which is neutral and slightly polar, at codon 388 of the SLX4 protein (p.Ser388Cys). This variant is present in population databases (rs199774640, gnomAD 0.004%). This variant has not been reported in the literature in individuals affected with SLX4-related conditions. ClinVar contains an entry for this variant (Variation ID: 1317152). An algorithm developed to predict the effect of missense changes on protein structure and function (PolyPhen-2) suggests that this variant is likely to be disruptive. In summary, the available evidence is currently insufficient to determine the role of this variant in disease. Therefore, it has been classified as a Variant of Uncertain Significance.

GeneDx
Classification: Uncertain significance. Last evaluated: 2019-12-11. Review status: criteria provided, single submitter. Criteria: GeneDx Variant Classification Process June 2021. Collection method: clinical testing. Allele origin: germline. Affected: yes.
Comment: Not observed at a significant frequency in large population cohorts (Lek 2016); In silico analysis, which includes protein predictors and evolutionary conservation, supports that this variant does not alter protein structure/function; Has not been previously published as pathogenic or benign to our knowledge

NM_032444.4(SLX4):c.1162A>T (p.Ser388Cys)

Gene: SLX4 (SLX4 structure-specific endonuclease subunit; minus strand). Cytogenetic location: 16p13.3.
Variant type: single nucleotide variant.
Coding change: c.1162A>T on transcript NM_032444.4 (MANE Select); coding-DNA position 1162, A replaced by T.
Protein change: p.Ser388Cys; replaces serine 388 with cysteine.
Molecular consequence: missense variant.
Genome position (GRCh38, 1-based): chr16:3,600,980, T>A on the plus strand (A>T on the coding strand, the complement: SLX4 is on the minus strand). VCF-style: chr16-3600980-T-A. GRCh37 (hg19) VCF-style: chr16-3650981-T-A.
Other names: short protein forms S388C.
Identifiers: ClinVar variation 1317152 (VCV001317152.5), dbSNP rs199774640, ClinGen allele CA7866626.